The following is an entry in ClinVar:

NM_004525.3(LRP2):c.2710AGA[2] (p.Arg906del)

Gene: LRP2 (LDL receptor related protein 2; minus strand). Cytogenetic location: 2q31.1.
Variant type: Microsatellite.
Coding change: c.2710AGA[2] on transcript NM_004525.3 (MANE Select); two copies in a row of the 3-base unit AGA starting at c.2710; the reference has three copies in a row; one copy, 3 bases deleted.
Protein change: p.Arg906del; deletes arginine 906.
Genome position (GRCh38, 1-based): chr2:169,256,158-169,256,160, TCT deleted on the plus strand (AGA on the coding strand, the reverse complement: LRP2 is on the minus strand); deleting any 3 consecutive bases within chr2:169,256,158-169,256,166 gives the same sequence; the position shown is the placement nearest the transcript's 3' end. VCF-style (leftmost placement, unchanged base first): chr2-169256157-GTCT-G. GRCh37 (hg19) VCF-style: chr2-170112667-GTCT-G.
Other names: short protein forms R906del.
Identifiers: ClinVar variation 3688205 (VCV003688205.2).

ClinVar aggregate classification (germline): Uncertain significance (1 of 4 stars; one submission).

Submission:

Labcorp Genetics (formerly Invitae), Labcorp
Classification: Uncertain significance. Last evaluated: 2024-05-09. Review status: criteria provided, single submitter. Criteria: Invitae Variant Classification Sherloc (09022015). Collection method: clinical testing. Allele origin: germline.
Comment: This variant, c.2716_2718del, results in the deletion of 1 amino acid(s) of the LRP2 protein (p.Arg906del), but otherwise preserves the integrity of the reading frame. This variant is present in population databases (rs758132839, gnomAD 0.003%). This variant has not been reported in the literature in individuals affected with LRP2-related conditions. Experimental studies and prediction algorithms are not available or were not evaluated, and the functional significance of this variant is currently unknown. In summary, the available evidence is currently insufficient to determine the role of this variant in disease. Therefore, it has been classified as a Variant of Uncertain Significance.